The following is an entry in ClinVar:

NM_000321.3(RB1):c.13A>G (p.Thr5Ala)

Gene: RB1 (RB transcriptional corepressor 1; plus strand). Cytogenetic location: 13q14.2.
Variant type: single nucleotide variant.
Coding change: c.13A>G on transcript NM_000321.3 (MANE Select); coding-DNA position 13, A replaced by G.
Protein change: p.Thr5Ala; replaces threonine 5 with alanine.
Molecular consequence: missense variant.
Genome position (GRCh38, 1-based): chr13:48,303,925, A>G. VCF-style: chr13-48303925-A-G. GRCh37 (hg19) VCF-style: chr13-48878061-A-G.
Other names: short protein forms T5A.
Identifiers: ClinVar variation 860944 (VCV000860944.12), dbSNP rs898303682, ClinGen allele CA388250157.

ClinVar aggregate classification (germline): Uncertain significance. Review status: criteria provided, multiple submitters, no conflicts (2 of 4 stars). 2 submissions from 2 submitters: Uncertain significance (2). Last evaluated 2026-01-25.

Conditions:
Retinoblastoma (RB1). Also called: RETINOBLASTOMA, SOMATIC. Identifiers: Orphanet 790, MedGen C0035335, MeSH D012175, MONDO:0008380, OMIM 180200, HP:0009919. Disease mechanism: loss of function. Inheritance: Both sporadic and heritable forms are tested..
Hereditary cancer-predisposing syndrome. Also called: Tumor predisposition; Hereditary neoplastic syndrome; Neoplastic Syndromes, Hereditary; Hereditary Cancer Syndrome. Identifiers: Orphanet 140162, MedGen C0027672, MeSH D009386, MONDO:0015356.

Allele frequency attached by ClinVar (database versions not stated): gnomAD exomes 0.00001.
gnomAD v4.1: 7 of 1,497,518 alleles (0.00047%); highest among the groups gnomAD compares: Non-Finnish European, 0.00062%; no homozygotes.

Submissions (2):

Labcorp Genetics (formerly Invitae), Labcorp
Classification: Uncertain significance for Retinoblastoma. Last evaluated: 2026-01-25. Review status: criteria provided, single submitter. Criteria: Invitae Variant Classification Sherloc (09022015). Collection method: clinical testing. Allele origin: germline.
Comment: This sequence change replaces threonine, which is neutral and polar, with alanine, which is neutral and non-polar, at codon 5 of the RB1 protein (p.Thr5Ala). This variant is not present in population databases (gnomAD no frequency). This variant has not been reported in the literature in individuals affected with RB1-related conditions. ClinVar contains an entry for this variant (Variation ID: 860944). An algorithm developed to predict the effect of missense changes on protein structure and function outputs the following: PolyPhen-2: "Not Available". The alanine amino acid residue is found in multiple mammalian species, which suggests that this missense change does not adversely affect protein function. In summary, the available evidence is currently insufficient to determine the role of this variant in disease. Therefore, it has been classified as a Variant of Uncertain Significance.

Ambry Genetics
Classification: Uncertain significance for Hereditary cancer-predisposing syndrome. Last evaluated: 2024-03-07. Review status: criteria provided, single submitter. Criteria: Ambry Variant Classification Scheme 2023. Collection method: clinical testing. Allele origin: germline.
Comment: The p.T5A variant (also known as c.13A>G), located in coding exon 1 of the RB1 gene, results from an A to G substitution at nucleotide position 13. The threonine at codon 5 is replaced by alanine, an amino acid with similar properties. This amino acid position is not well conserved in available vertebrate species. In addition, this alteration is predicted to be tolerated by in silico analysis. Since supporting evidence is limited at this time, the clinical significance of this alteration remains unclear.